The following is an entry in ClinVar:

ClinVar aggregate classification (germline): Uncertain significance (1 of 4 stars; one submission).

gnomAD v4.1: 3 of 1,614,014 alleles (0.00019%); highest among the groups gnomAD compares: Non-Finnish European, 0.00025%; no homozygotes.

Submission:

Labcorp Genetics (formerly Invitae), Labcorp
Classification: Uncertain significance. Last evaluated: 2025-11-16. Review status: criteria provided, single submitter. Criteria: Invitae Variant Classification Sherloc (09022015). Collection method: clinical testing. Allele origin: germline.
Comment: This sequence change replaces glutamic acid, which is acidic and polar, with lysine, which is basic and polar, at codon 1766 of the FOCAD protein (p.Glu1766Lys). This variant is not present in population databases (gnomAD no frequency). This variant has not been reported in the literature in individuals affected with FOCAD-related conditions. An algorithm developed to predict the effect of missense changes on protein structure and function outputs the following: PolyPhen-2: "Not Available". The lysine amino acid residue is found in multiple mammalian species, which suggests that this missense change does not adversely affect protein function. Algorithms developed to predict the effect of sequence changes on RNA splicing suggest that this variant may disrupt the consensus splice site. In summary, the available evidence is currently insufficient to determine the role of this variant in disease. Therefore, it has been classified as a Variant of Uncertain Significance.

NM_001375567.1(FOCAD):c.5296G>A (p.Glu1766Lys)

Gene: FOCAD (focadhesin; plus strand). Cytogenetic location: 9p21.3.
Variant type: single nucleotide variant.
Coding change: c.5296G>A on transcript NM_001375567.1 (MANE Select); coding-DNA position 5296, G replaced by A.
Protein change: p.Glu1766Lys; replaces glutamic acid 1766 with lysine.
Molecular consequence: missense variant.
Genome position (GRCh38, 1-based): chr9:20,993,292, G>A. VCF-style: chr9-20993292-G-A. GRCh37 (hg19) VCF-style: chr9-20993291-G-A.
Other names: c.5191G>A, p.Glu1731Lys (NM_001375568.1, NM_001375570.1); c.5296G>A, p.Glu1766Lys (NM_017794.5); short protein forms E1766K, E1731K.
Identifiers: ClinVar variation 4731273 (VCV004731273.1).
Genomic context (GRCh38, chr9:20,993,292, plus strand): 5'-TATTTTTCATTTTTACCCTAGTTCATTGACTGGCTATTCAGCATCATGGAAAGCCCTAAA[G>A]AAGCCCTCTCAGCACAGTCCAGGGATCTTTTGAAAGGTATTACTTCCATGTTTTATGCTC-3'
Protein context (NP_001362496.1, residues 1756-1776): WLFSIMESPK[Glu1766Lys]ALSAQSRDLL